The following is an entry in ClinVar:

ClinVar aggregate classification (germline): Benign (0 of 4 stars; one submission).

Conditions:
CLDN10-related disorder. Also called: CLDN10-related condition.

Allele frequency attached by ClinVar (database versions not stated): gnomAD exomes 0.00087; ExAC 0.00270; gnomAD 0.00897; TOPMed 0.00958; 1000 Genomes Project 0.01038; ESP Exome Variant Server 0.01046; 1000 Genomes Project 30x 0.01156.
gnomAD v4.1: 2,698 of 1,612,620 alleles (0.17%); highest among the groups gnomAD compares: African/African-American, 3.1%; 43 homozygotes.

Submission:

PreventionGenetics, part of Exact Sciences
Classification: Benign for CLDN10-related condition. Last evaluated: 2019-03-07. Review status: no assertion criteria provided. Collection method: clinical testing. Allele origin: germline.
Comment: This variant is classified as benign based on ACMG/AMP sequence variant interpretation guidelines (Richards et al. 2015 PMID: 25741868, with internal and published modifications).

NM_006984.5(CLDN10):c.228A>C (p.Ile76=)

Gene: CLDN10 (claudin 10; plus strand). Cytogenetic location: 13q32.1.
Variant type: single nucleotide variant.
Coding change: c.228A>C on transcript NM_006984.5 (MANE Select); coding-DNA position 228, A replaced by C.
Protein change: p.Ile76=; no amino-acid change (isoleucine 76 retained).
Molecular consequence: synonymous variant.
Genome position (GRCh38, 1-based): chr13:95,560,139, A>C. VCF-style: chr13-95560139-A-C. GRCh37 (hg19) VCF-style: chr13-96212393-A-C.
Other names: c.165A>C, p.Ile55= (NM_001160100.2); c.222A>C, p.Ile74= (NM_182848.4).
Identifiers: ClinVar variation 3044485 (VCV003044485.2), dbSNP rs34449921, ClinGen allele CA7020146.